The following is an entry in ClinVar:

NM_033109.5(PNPT1):c.2213G>A (p.Arg738His)

Gene: PNPT1 (polyribonucleotide nucleotidyltransferase 1; minus strand). Cytogenetic location: 2p16.1.
Variant type: single nucleotide variant.
Coding change: c.2213G>A on transcript NM_033109.5 (MANE Select); coding-DNA position 2213, G replaced by A.
Protein change: p.Arg738His; replaces arginine 738 with histidine.
Molecular consequence: missense variant.
Genome position (GRCh38, 1-based): chr2:55,636,376, C>T on the plus strand (G>A on the coding strand, the complement: PNPT1 is on the minus strand). VCF-style: chr2-55636376-C-T. GRCh37 (hg19) VCF-style: chr2-55863511-C-T.
Other names: c.2213G>A (NM_033109.4); short protein forms R738H.
Identifiers: ClinVar variation 996028 (VCV000996028.16), dbSNP rs574670461, ClinGen allele CA1667741.

ClinVar aggregate classification (germline): Conflicting classifications of pathogenicity. Review status: criteria provided, conflicting classifications (1 of 4 stars). 8 submissions from 8 submitters: Likely pathogenic (1); Uncertain significance (6). 1 of the submissions does not count toward it. Last evaluated 2026-05-28.

Conditions:
Combined oxidative phosphorylation defect type 13. Also called: Combined oxidative phosphorylation deficiency 13. Identifiers: Orphanet 319514, MedGen C4706283, MONDO:0013977, OMIM 614932.
Autosomal recessive nonsyndromic hearing loss 70. Also called: Deafness, autosomal recessive 70. Identifiers: Orphanet 90636, MedGen C1824925, MONDO:0013978, OMIM 614934.
Spinocerebellar ataxia type 25. Identifiers: Orphanet 101111, MedGen C1837518, MONDO:0012103, OMIM 608703.
PNPT1-related disorder. Also called: PNPT1-related disorders; PNPT1-related condition.

Allele frequency attached by ClinVar (database versions not stated): gnomAD 0.00001 and 0.00009; TOPMed 0.00002; gnomAD exomes 0.00012 and 0.00029; ExAC 0.00034; 1000 Genomes Project 30x 0.00078; 1000 Genomes Project 0.00080.
gnomAD v4.1: 196 of 1,613,942 alleles (0.012%); highest among the groups gnomAD compares: South Asian, 0.18%; no homozygotes.

Submissions (8):

Women's Health and Genetics/Laboratory Corporation of America, LabCorp
Classification: Uncertain significance. Last evaluated: 2026-05-28. Review status: criteria provided, single submitter. Criteria: LabCorp Variant Classification Summary - May 2015. Collection method: clinical testing. Allele origin: germline.
Comment: Variant summary: PNPT1 c.2213G>A (p.Arg738His) results in a non-conservative amino acid change in the encoded protein sequence. Algorithms developed to predict the effect of missense changes on protein structure and function are either unavailable or do not agree on the potential impact of this missense change. The variant allele was found at a frequency of 0.00029 in 249212 control chromosomes. This frequency is not significantly higher than estimated for disease-causing variants in PNPT1, allowing no conclusion about variant significance. c.2213G>A has been observed in the homozygous state in at least 1 individual(s) affected with infantile spasms, without strong evidence for causality (example, Majethia_2024). These report(s) do not provide unequivocal conclusions about association of the variant with disease. To our knowledge, no experimental evidence demonstrating an impact on protein function has been reported. The following publication has been ascertained in the context of this evaluation (PMID: 38374498). ClinVar contains an entry for this variant (Variation ID: 996028). Based on the evidence outlined above, the variant was classified as uncertain significance.

Blueprint Genetics
Classification: Uncertain significance. Last evaluated: 2024-06-25. Review status: criteria provided, single submitter. Criteria: ACMG Guidelines, 2015. Collection method: clinical testing. Allele origin: germline.

GeneDx
Classification: Uncertain significance. Last evaluated: 2024-04-08. Review status: criteria provided, single submitter. Criteria: GeneDx Variant Classification Process June 2021. Collection method: clinical testing. Allele origin: germline. Affected: yes.
Comment: In silico analysis supports that this missense variant has a deleterious effect on protein structure/function; Has not been previously published as pathogenic or benign to our knowledge

Neuberg Centre For Genomic Medicine, NCGM
Classification: Uncertain significance for Autosomal recessive nonsyndromic hearing loss 70. Last evaluated: 2023-02-14. Review status: criteria provided, single submitter. Criteria: ACMG Guidelines, 2015. Collection method: clinical testing. Allele origin: germline. Inheritance: Autosomal recessive inheritance. Affected: yes.
Comment: The missense c.2213G>A (p.Arg738His) variant in PNPT1 gene has been submitted to ClinVar as a Variant of Uncertain Significance / Likely pathogenic. The p.Arg738His variant has allele frequency 0.02% in gnomAD Exomes and is novel (not in any individuals) in 1000 Genomes. The amino acid change p.Arg738His in PNPT1 is predicted as conserved by GERP++ and PhyloP across 100 vertebrates. The amino acid Arg at position 738 is changed to a His changing protein sequence and it might alter its composition and physico-chemical properties. Functional studies are required to prove the pathogenicity for the variant, for these reasons, this variant has been classified as Variant of Uncertain Significance (VUS).

Labcorp Genetics (formerly Invitae), Labcorp
Classification: Uncertain significance. Last evaluated: 2021-12-24. Review status: criteria provided, single submitter. Criteria: Invitae Variant Classification Sherloc (09022015). Collection method: clinical testing. Allele origin: germline.
Comment: This sequence change replaces arginine, which is basic and polar, with histidine, which is basic and polar, at codon 738 of the PNPT1 protein (p.Arg738His). This variant is present in population databases (rs574670461, gnomAD 0.2%). This variant has not been reported in the literature in individuals affected with PNPT1-related conditions. ClinVar contains an entry for this variant (Variation ID: 996028). Advanced modeling of protein sequence and biophysical properties (such as structural, functional, and spatial information, amino acid conservation, physicochemical variation, residue mobility, and thermodynamic stability) performed at Invitae indicates that this missense variant is expected to disrupt PNPT1 protein function. In summary, the available evidence is currently insufficient to determine the role of this variant in disease. Therefore, it has been classified as a Variant of Uncertain Significance.

Department of Pathology and Laboratory Medicine, Sinai Health System
Classification: Uncertain significance for Spinocerebellar ataxia type 25; Combined oxidative phosphorylation defect type 13; Autosomal recessive nonsyndromic hearing loss 70. Last evaluated: 2021-12-08. Review status: criteria provided, single submitter. Criteria: ACMG Guidelines, 2015. Collection method: research. Allele origin: germline.

Kasturba Medical College, Manipal, Kasturba Medical College, Manipal, Manipal Academy of Higher Education, Manipal, India
Classification: Likely pathogenic for Combined oxidative phosphorylation defect type 13. Last evaluated: 2019-12-12. Review status: criteria provided, single submitter. Criteria: ACMG Guidelines, 2015. Collection method: clinical testing. Allele origin: inherited. Inheritance: Autosomal recessive inheritance. Affected: yes. Observed: 3 variant alleles.

PreventionGenetics, part of Exact Sciences
Classification: Likely benign for PNPT1-related condition. Last evaluated: 2022-11-01. Review status: no assertion criteria provided. Collection method: clinical testing. Allele origin: germline. Not counted in ClinVar's aggregate classification.
Comment: This variant is classified as likely benign based on ACMG/AMP sequence variant interpretation guidelines (Richards et al. 2015 PMID: 25741868, with internal and published modifications).

Literature cited by the submitters: PubMed 38374498 (cited by Women's Health and Genetics/Laboratory Corporation of America, LabCorp).